The following is an entry in ClinVar:

ClinVar aggregate classification (germline): Uncertain significance (1 of 4 stars; one submission).

Submission:

Geisinger Autism and Developmental Medicine Institute, Geisinger Health System
Classification: Uncertain significance. Last evaluated: 2018-03-22. Review status: criteria provided, single submitter. Criteria: ACMG CNV Guidelines, 2011. Collection method: provider interpretation. Allele origin: maternal.
Comment: This deletion includes two OMIM genes CYP2E1 and SYCE1.

Single allele

Variant type: Deletion.
Identifiers: ClinVar variation 559462 (VCV000559462.3).